The following continues an entry in ClinVar:

NM_000051.4(ATM):c.6067G>A (p.Gly2023Arg)

ClinVar aggregate classification (germline): Conflicting classifications of pathogenicity. Uncertain significance (5); Benign (8); Likely benign (16).

Submissions 22 to 35 of 35:

Spanish ATM Cancer Susceptibility Variant Interpretation Working Group
Classification: Uncertain significance for Hereditary cancer-predisposing syndrome. Last evaluated: 2020-06-17. Review status: criteria provided, single submitter. Criteria: Feliubadaló L et al. (Clin Chem 2021). Collection method: clinical testing. Allele origin: germline. Affected: no and yes. Observed: 19 heterozygotes. Clinical features observed: No cancer, Múltiple Leiomyomas, Breast carcinoma, Ovarian serous tumor, Bilateral breast cancer, Prostate cancer, Colorectal polyposis, Colorectal cancer, Ovarian cancer.
Comment: The c.6067G>A (p.Gly2023Arg) variant has an allele frequency of 0.0014 (0.14%, 374/268,256 alleles) in the gnomAD v2.1.1 non-cancer dataset, with a maximal frequency of 0.0023 (0.232%, 274/118,126 alleles) in the European (non-Finnish) subpopulation (BS1). This missense variant is not predicted to lead to a splicing alteration as per SPiCE predictor and no splicing site is created/activated according to at least 3 splicing predictors of the set SpliceSiteFinderlike - MaxEntScan - NNSplice - GeneSplicer, but it alters the protein function / structure on the in-silico prediction reports of REVEL and PROVEAN (PP3). There is no other supporting data that meet criteria for consideration. Therefore, the clinical significance of this variant is uncertain. Adapted ACMG/AMP rules applied as defined by the Spanish ATM working group: BS1 + PP3 (PMID: 33280026).

Institute of Human Genetics, University of Leipzig Medical Center
Classification: Uncertain significance for Familial cancer of breast. Last evaluated: 2018-12-05. Review status: criteria provided, single submitter. Criteria: ACMG Guidelines, 2015. Collection method: clinical testing. Allele origin: germline. Affected: yes. Observed: 1 variant allele.

GeneKor MSA
Classification: Uncertain significance for Hereditary cancer-predisposing syndrome. Last evaluated: 2018-08-01. Review status: criteria provided, single submitter. Criteria: ACMG Guidelines, 2015. Collection method: clinical testing. Allele origin: germline. Affected: yes.

Ambry Genetics
Classification: Likely benign for Hereditary cancer-predisposing syndrome. Last evaluated: 2018-07-27. Review status: criteria provided, single submitter. Criteria: Ambry Variant Classification Scheme 2023. Collection method: clinical testing. Allele origin: germline.

Women's Health and Genetics/Laboratory Corporation of America, LabCorp
Classification: Benign. Last evaluated: 2017-08-21. Review status: criteria provided, single submitter. Criteria: LabCorp Variant Classification Summary - May 2015. Collection method: clinical testing. Allele origin: germline.
Comment: Variant summary: The ATM c.6067G>A (p.Gly2023Arg) variant involves the alteration of a conserved nucleotide and 4/4 in silico tools predict a damaging outcome for this variant (SNPsandGO not captured due to low reliability index). This variant was found in 397/277154 (1 homozygote) control chromosomes (gnomAD), predominantly observed in the European (Non-Finnish) subpopulation at a frequency of 0.002368 (300/126680). This frequency is about 2 times the estimated maximal expected allele frequency of a pathogenic ATM variant (0.0010005), suggesting this is likely a benign polymorphism found primarily in the populations of European (Non-Finnish) origin. Multiple publications have cited the variant in affected BrC pts, along with multiple somatic occurrences in MCL and CLL pts. Skowronska_2012 suggestions, biallelic ATM inactivation in CLL patients was associated with disease progression and reduced survival. However, the variant has been reported to co-occur with a BRCA1 variant, although the exact variant was not indicated (Thorstenson_2003). In addition, two internal LCA samples report the variant to co-occur with a pathogenic ATM variant, c.6095G>A (p.Arg20232Lys) and BRCA1 variant, c.1326T>A (p.Cys442X). In addition, multiple clinical diagnostic laboratories cite the variant as "likely benign/benign." Taken together, this variant is classified as benign.

Illumina Laboratory Services, Illumina
Classification: Uncertain significance for Ataxia-telangiectasia syndrome. Last evaluated: 2017-04-27. Review status: criteria provided, single submitter. Criteria: ICSL Variant Classification Criteria 13 December 2019. Collection method: clinical testing. Allele origin: germline.
Comment: This variant was observed as part of a predisposition screen in an ostensibly healthy population. A literature search was performed for the gene, cDNA change, and amino acid change (where applicable). Publications were found based on this search. However, the evidence from the literature, in combination with allele frequency data from public databases where available, was not sufficient to rule this variant in or out of causing disease. Therefore, this variant is classified as a variant of unknown significance.

Color Diagnostics, LLC DBA Color Health
Classification: Likely benign for Hereditary cancer-predisposing syndrome. Last evaluated: 2015-02-11. Review status: criteria provided, single submitter. Criteria: ACMG Guidelines, 2015. Collection method: clinical testing. Allele origin: germline.

PreventionGenetics, part of Exact Sciences
Classification: Benign. Review status: criteria provided, single submitter. Criteria: ACMG Guidelines, 2015. Collection method: clinical testing. Allele origin: germline.

Natera, Inc.
Classification: Likely benign for Ataxia-telangiectasia. Last evaluated: 2020-04-18. Review status: no assertion criteria provided. Collection method: clinical testing. Allele origin: germline. Not counted in ClinVar's aggregate classification.

True Health Diagnostics
Classification: Uncertain significance for Hereditary cancer-predisposing syndrome. Last evaluated: 2018-03-16. Review status: no assertion criteria provided. Collection method: clinical testing. Allele origin: germline. Not counted in ClinVar's aggregate classification.

ITMI
No classification provided. Condition: AllHighlyPenetrant. Last evaluated: 2013-09-19. Review status: no classification provided. Collection method: reference population. Allele origin: germline. Not counted in ClinVar's aggregate classification.
Comment: Please see associated publication for description of ethnicities

Clinical Genetics DNA and cytogenetics Diagnostics Lab, Erasmus MC, Erasmus Medical Center
Classification: Likely benign. Review status: no assertion criteria provided. Collection method: clinical testing. Allele origin: germline. Affected: yes. Study: VKGL Data-share Consensus. Not counted in ClinVar's aggregate classification.

Department of Pathology and Laboratory Medicine, Sinai Health System
Classification: Likely benign for Malignant tumor of breast. Review status: no assertion criteria provided. Collection method: clinical testing. Allele origin: unknown. Affected: yes. Observed: 1 variant allele. Study: The Canadian Open Genetics Repository (COGR). Not counted in ClinVar's aggregate classification.
Comment: The ATM p.Gly2023Arg variant was identified in 15 of 8674 proband chromosomes (frequency: 0.002) from individuals or families with CLL, lymphoid neoplasms, colorectal or breast cancer and was identified in 2 of 1602 chromosomes (frequency: 0.001) from healthy individuals (Broeks 2008, Gronbaek 2002, Mangone 2015, Paglia 2010, Podralska 2018, Skowronska 2012, Thorstenson 2003, Yurgelun 2015, Balmana 2016, Tung 2016). The variant was also identified in dbSNP (ID: rs11212587) as "With other allele", ClinVar (classified as benign by two clinical laboratories; as likely benign by Invitae, Ambry Genetics and three other submitters; as uncertain significance by one submitter), Cosmic (3x in Large intestine, or Haematopoietic and lymphoid tissue), MutDB, and in LOVD 3.0 (3x) databases. The variant was not identified in COGR. The variant was identified in control databases in 397 of 277154 chromosomes (1 homozygous) at a frequency of 0.001 increasing the likelihood this could be a low frequency benign variant (Genome Aggregation Database Feb 27, 2017). The variant was observed in the following populations: African in 10 of 24034 chromosomes (freq: 0.0004), Other in 7 of 6460 chromosomes (freq: 0.001), Latino in 36 of 34418 chromosomes (freq: 0.001), European in 300 of 126680 chromosomes (freq: 0.002), Ashkenazi Jewish in 1 of 10152 chromosomes (freq: 0.0001), East Asian in 1 of 18852 chromosomes (freq: 0.00005), Finnish in 22 of 25778 chromosomes (freq: 0.0009), and South Asian in 20 of 30780 chromosomes (freq: 0.0007). The p.Gly2023 residue is conserved in mammals but not in more distantly related organisms, and computational analyses (PolyPhen-2, SIFT, AlignGVGD, BLOSUM, MutationTaster) suggest that the variant may impact the protein; however, this information is not predictive enough to assume pathogenicity. The variant occurs outside of the splicing consensus sequence and in silico or computational prediction software programs (SpliceSiteFinder, MaxEntScan, NNSPLICE, GeneSplicer) do not predict a difference in splicing. In silico analysis predicted the variant induces or contributes to increased exon skipping (Caminsky 2016). In summary, based on the above information the clinical significance of this variant cannot be determined with certainty at this time although we would lean towards a more benign role for this variant. This variant is classified as likely benign.

Practice for Gait Abnormalities, David Pomarino, Competency Network Toe Walking C/o Practice Pomarino
Classification: Likely pathogenic for Tip-toe gait. Review status: flagged submission. Collection method: clinical testing. Allele origin: germline. Affected: yes. Not counted in ClinVar's aggregate classification.
Comment: Gait disorder
ClinVar note: Reason: Outlier claim with insufficient supporting evidence

Literature cited by the submitters: PubMed 27621404 (cited by 3 submitters); PubMed 19404735 (cited by 6 submitters); PubMed 26094658 (cited by 5 submitters); PubMed 24728327 (cited by 5 submitters); PubMed 25625042 (cited by 6 submitters); PubMed 11505391 (cited by 6 submitters); PubMed 12810666 (cited by 5 submitters); PubMed 17968022 (cited by 3 submitters); PubMed 23091097 (cited by 5 submitters); PubMed 17393301 (cited by 5 submitters); PubMed 12149228 (cited by 3 submitters); PubMed 16461462 (cited by 3 submitters); PubMed 25980754 (cited by 3 submitters); PubMed 33280026 (cited by Athena Diagnostics and Quest Diagnostics Nichols Institute San Juan Capistrano); PubMed 26822949 (cited by 3 submitters); PubMed 26787654 (cited by 3 submitters); PubMed 23555315 (cited by 3 submitters); PubMed 21933854 (cited by 3 submitters); PubMed 27153395 (cited by Athena Diagnostics and Quest Diagnostics Nichols Institute San Juan Capistrano); PubMed 28608266 (cited by Athena Diagnostics and Quest Diagnostics Nichols Institute San Juan Capistrano); PubMed 26898890 (cited by Athena Diagnostics and Quest Diagnostics Nichols Institute San Juan Capistrano); PubMed 29678143 (cited by 3 submitters); PubMed 22529920 (cited by 4 submitters); PubMed 35264596 (cited by 3 submitters); PubMed 35245693 (cited by 3 submitters); PubMed 32854451 (cited by 3 submitters); PubMed 19781682 (cited by 3 submitters); PubMed 26976419 (cited by 3 submitters); PubMed 27664052 (cited by Athena Diagnostics and Quest Diagnostics Nichols Institute San Juan Capistrano); PubMed 25085752 (cited by Myriad Genetics, Inc.); PubMed 29445900 (cited by Mayo Clinic Laboratories, Mayo Clinic); PubMed 30613976 (cited by Mayo Clinic Laboratories, Mayo Clinic); PubMed 31159747 (cited by Mayo Clinic Laboratories, Mayo Clinic); PubMed 33547824 (cited by Mayo Clinic Laboratories, Mayo Clinic); PubMed 26053404 (cited by Women's Health and Genetics/Laboratory Corporation of America, LabCorp); PubMed 37091313 (cited by Practice for Gait Abnormalities, David Pomarino, Competency Network Toe Walking C/o Practice Pomarino).